The following is an entry in ClinVar:

NM_000051.4(ATM):c.3928C>T (p.Gln1310Ter)

Gene: ATM (ATM serine/threonine kinase; plus strand). Cytogenetic location: 11q22.3.
Variant type: single nucleotide variant.
Coding change: c.3928C>T on transcript NM_000051.4 (MANE Select); coding-DNA position 3928, C replaced by T.
Protein change: p.Gln1310Ter; replaces glutamine 1310 with a stop codon.
Molecular consequence: nonsense.
Genome position (GRCh38, 1-based): chr11:108,284,408, C>T. VCF-style: chr11-108284408-C-T. GRCh37 (hg19) VCF-style: chr11-108155135-C-T.
Other names: c.3928C>T, p.Gln1310Ter (NM_001351834.2); short protein forms Q1310*.
Identifiers: ClinVar variation 2573233 (VCV002573233.4), dbSNP rs1190025970, ClinGen allele CA382525858.
Genomic context (GRCh38, chr11:108,284,408, plus strand): 5'-ATTCTTGTAAATATTCTTCCTTATTTTGCCTATGAGGGTACCAGAGACAGTGGGATGGCA[C>T]AGCAAAGAGAGACTGCTACCAAGGTCTATGATATGCTTAAAAGTGAAAACTTATTGGGAA-3'

ClinVar aggregate classification (germline): Pathogenic/Likely pathogenic. Review status: criteria provided, multiple submitters, no conflicts (2 of 4 stars). 3 submissions from 3 submitters: Pathogenic (2); Likely pathogenic (1). Last evaluated 2025-01-09.

Conditions:
Familial cancer of breast. Also called: BREAST CANCER, FAMILIAL; hereditary breast carcinoma; Hereditary breast cancer. Identifiers: Orphanet 227535, MedGen C0346153, MONDO:0016419, OMIM 114480. Disease mechanism: loss of function.
Hereditary cancer-predisposing syndrome. Also called: Neoplastic Syndromes, Hereditary; Hereditary Cancer Syndrome; Tumor predisposition; Hereditary neoplastic syndrome. Identifiers: Orphanet 140162, MedGen C0027672, MeSH D009386, MONDO:0015356.
Ataxia-telangiectasia syndrome (AT). Also called: LOUIS-BAR SYNDROME; ATAXIA-TELANGIECTASIA, COMPLEMENTATION GROUP A; Ataxia-telangiectasia, complementation group D; AT, COMPLEMENTATION GROUP C; Ataxia-telangiectasia, complementation group E; Ataxia-telangiectasia. Identifiers: Orphanet 100, MedGen C0004135, MONDO:0008840, OMIM 208900.

Submissions (3):

Ambry Genetics
Classification: Pathogenic for Hereditary cancer-predisposing syndrome. Last evaluated: 2025-01-09. Review status: criteria provided, single submitter. Criteria: Ambry Variant Classification Scheme 2023. Collection method: clinical testing. Allele origin: germline.
Comment: The p.Q1310* pathogenic mutation (also known as c.3928C>T), located in coding exon 25 of the ATM gene, results from a C to T substitution at nucleotide position 3928. This changes the amino acid from a glutamine to a stop codon within coding exon 25. This variant is considered to be rare based on population cohorts in the Genome Aggregation Database (gnomAD). This alteration is expected to result in loss of function by premature protein truncation or nonsense-mediated mRNA decay. As such, this alteration is interpreted as a disease-causing mutation.

Myriad Genetics, Inc.
Classification: Pathogenic for Familial cancer of breast. Last evaluated: 2023-03-15. Review status: criteria provided, single submitter. Criteria: Myriad Autosomal Dominant, Autosomal Recessive and X-Linked Classification Criteria (2023). Collection method: clinical testing. Allele origin: unknown.
Comment: This variant is considered pathogenic. This variant creates a termination codon and is predicted to result in premature protein truncation.

Juno Genomics, Hangzhou Juno Genomics, Inc
Classification: Likely pathogenic for Familial cancer of breast; Ataxia-telangiectasia syndrome. Review status: criteria provided, single submitter. Criteria: ACMG Guidelines, 2015. Collection method: clinical testing. Allele origin: germline. Affected: yes.
Comment: Absent from controls (or at extremely low frequency if recessive) in Genome Aggregation Database, Exome Sequencing Project, 1000 Genomes Project, or Exome Aggregation Consortium.;Null variant in a gene where loss of function (LOF) is a known mechanism of disease.